The following is an entry in ClinVar:

ClinVar aggregate classification (germline): Benign (0 of 4 stars; one submission).

Conditions:
CSMD3-related disorder. Also called: CSMD3-related condition.

Allele frequency attached by ClinVar (database versions not stated): 1000 Genomes Project 0.05331; 1000 Genomes Project 30x 0.05387; TOPMed 0.07874; gnomAD 0.08648; ESP Exome Variant Server 0.08865; ExAC 0.09391; gnomAD exomes 0.11061.
gnomAD v4.1: 175,004 of 1,613,672 alleles (11%); highest among the groups gnomAD compares: Middle Eastern, 19%; 10,379 homozygotes.

Submission:

PreventionGenetics, part of Exact Sciences
Classification: Benign for CSMD3-related condition. Last evaluated: 2019-12-20. Review status: no assertion criteria provided. Collection method: clinical testing. Allele origin: germline.
Comment: This variant is classified as benign based on ACMG/AMP sequence variant interpretation guidelines (Richards et al. 2015 PMID: 25741868, with internal and published modifications).

NM_198123.2(CSMD3):c.11079G>A (p.Ala3693=)

Gene: CSMD3 (CUB and Sushi multiple domains 3; minus strand). Cytogenetic location: 8q23.3.
Variant type: single nucleotide variant.
Coding change: c.11079G>A on transcript NM_198123.2 (MANE Select); coding-DNA position 11079, G replaced by A.
Protein change: p.Ala3693=; no amino-acid change (alanine 3693 retained).
Molecular consequence: synonymous variant.
Genome position (GRCh38, 1-based): chr8:112,224,816, C>T on the plus strand (G>A on the coding strand, the complement: CSMD3 is on the minus strand). VCF-style: chr8-112224816-C-T. GRCh37 (hg19) VCF-style: chr8-113237045-C-T.
Other names: c.10479G>A, p.Ala3493= (NM_001363185.1); c.10572G>A, p.Ala3524= (NM_052900.3); c.10959G>A, p.Ala3653= (NM_198124.2).
Identifiers: ClinVar variation 3056930 (VCV003056930.2), dbSNP rs4876458, ClinGen allele CA4848175.
Genomic context (GRCh38, chr8:112,224,816, plus strand): 5'-GCAAAGGTTGCCTCGTTATACCATTGTGCAAACCGTGTTCAAGTTGGGATCAAATCGTAC[C>T]GCCTTCCCTTCCACTGACTTTGCGTTGGTGTCATACATGGGATTTTCAAAAGCTGCTTGG-3'
Protein context (NP_937756.1, residues 3683-3703): DTNAKSVEGK[Ala3693=]VRFDPNLNTV